The following is an entry in ClinVar:

ClinVar aggregate classification (germline): Uncertain significance (1 of 4 stars; one submission).

Conditions:
Cardiomyopathy (CMYO). Also called: Cardiomyopathies. Identifiers: Orphanet 167848, MedGen C0878544, MONDO:0004994, HP:0001638. Inheritance: Various modes of inheritance.

gnomAD v4.1: 1 of 1,614,020 alleles (0.000062%); highest among the groups gnomAD compares: Non-Finnish European, 0.000085%; no homozygotes.

Submission:

Color Diagnostics, LLC DBA Color Health
Classification: Uncertain significance for Cardiomyopathy. Last evaluated: 2024-03-07. Review status: criteria provided, single submitter. Criteria: ACMG Guidelines, 2015. Collection method: clinical testing. Allele origin: germline.
Comment: This missense variant replaces tyrosine with histidine at codon 1693 of the RYR2 protein. Computational prediction suggests that this variant may not impact protein structure and function (internally defined REVEL score threshold <= 0.5, PMID: 27666373). To our knowledge, functional studies have not been reported for this variant. This variant has not been reported in individuals affected with cardiovascular disorders in the literature. This variant has not been identified in the general population by the Genome Aggregation Database (gnomAD). The available evidence is insufficient to determine the role of this variant in disease conclusively. Therefore, this variant is classified as a Variant of Uncertain Significance.

NM_001035.3(RYR2):c.5077T>C (p.Tyr1693His)

Gene: RYR2 (ryanodine receptor 2; plus strand). Cytogenetic location: 1q43.
Variant type: single nucleotide variant.
Coding change: c.5077T>C on transcript NM_001035.3 (MANE Select); coding-DNA position 5077, T replaced by C.
Protein change: p.Tyr1693His; replaces tyrosine 1693 with histidine.
Molecular consequence: missense variant.
Genome position (GRCh38, 1-based): chr1:237,614,205, T>C. VCF-style: chr1-237614205-T-C. GRCh37 (hg19) VCF-style: chr1-237777505-T-C.
Other names: short protein forms Y1693H.
Identifiers: ClinVar variation 1172047 (VCV001172047.3), dbSNP rs2148594145, ClinGen allele CA345403969.